The following is an entry in ClinVar:

ClinVar aggregate classification (germline): Likely benign (0 of 4 stars; one submission).

Conditions:
UCP3-related disorder. Also called: UCP3-related condition.

gnomAD v4.1: 1 of 1,614,150 alleles (0.000062%); highest among the groups gnomAD compares: Non-Finnish European, 0.000085%; no homozygotes.

Submission:

PreventionGenetics, part of Exact Sciences
Classification: Likely benign for UCP3-related condition. Last evaluated: 2022-08-09. Review status: no assertion criteria provided. Collection method: clinical testing. Allele origin: germline.
Comment: This variant is classified as likely benign based on ACMG/AMP sequence variant interpretation guidelines (Richards et al. 2015 PMID: 25741868, with internal and published modifications).

NM_003356.4(UCP3):c.279C>G (p.Ser93=)

Gene: UCP3 (uncoupling protein 3; minus strand). Cytogenetic location: 11q13.4.
Variant type: single nucleotide variant.
Coding change: c.279C>G on transcript NM_003356.4 (MANE Select); coding-DNA position 279, C replaced by G.
Protein change: p.Ser93=; no amino-acid change (serine 93 retained).
Molecular consequence: synonymous variant.
Genome position (GRCh38, 1-based): chr11:74,006,227, G>C on the plus strand (C>G on the coding strand, the complement: UCP3 is on the minus strand). VCF-style: chr11-74006227-G-C. GRCh37 (hg19) VCF-style: chr11-73717272-G-C.
Other names: c.279C>G, p.Ser93= (NM_022803.3).
Identifiers: ClinVar variation 3354435 (VCV003354435.1).